The following is an entry in ClinVar:

ClinVar aggregate classification (germline): Likely benign. Review status: criteria provided, multiple submitters, no conflicts (2 of 4 stars). 6 submissions from 6 submitters: Likely benign (6). Last evaluated 2026-06-17.

Conditions:
ELP1-related disorder. Also called: ELP1-related condition.
Familial dysautonomia. Also called: HSAN III; FD. Identifiers: Orphanet 1764, MedGen C0013364, MONDO:0009131, OMIM 223900. Disease mechanism: loss of function.

Allele frequency attached by ClinVar (database versions not stated): ExAC 0.00001; gnomAD exomes 0.00001 and 0.00002; TOPMed 0.00002; gnomAD 0.00003.
gnomAD v4.1: 26 of 1,613,570 alleles (0.0016%); highest among the groups gnomAD compares: Non-Finnish European, 0.0022%; no homozygotes.

Submissions (6):

PreventionGenetics, part of Exact Sciences
Classification: Likely benign for ELP1-related condition. Last evaluated: 2026-06-17. Review status: criteria provided, single submitter. Criteria: ACMG Guidelines, 2015. Collection method: clinical testing. Allele origin: germline.
Comment: This variant is classified as likely benign based on ACMG/AMP sequence variant interpretation guidelines (Richards et al. 2015 PMID: 25741868, with internal and published modifications).

Women's Health and Genetics/Laboratory Corporation of America, LabCorp
Classification: Likely benign. Last evaluated: 2026-05-05. Review status: criteria provided, single submitter. Criteria: LabCorp Variant Classification Summary - May 2015. Collection method: clinical testing. Allele origin: germline.
Comment: Variant summary: ELP1 c.2082T>A alters a conserved nucleotide resulting in a synonymous change. Consensus agreement among computation tools predict no significant impact on normal splicing. However, these predictions have yet to be confirmed by functional studies. The variant allele was found at a frequency of 1.2e-05 in 251410 control chromosomes. The available data on variant occurrences in the general population are insufficient to allow any conclusion about variant significance. To our knowledge, no occurrence of c.2082T>A in individuals affected with ELP1-related conditions and no experimental evidence demonstrating its impact on protein function have been reported. ClinVar contains an entry for this variant (Variation ID: 704171). Based on the evidence outlined above, the variant was classified as likely benign.

Ambry Genetics
Classification: Likely benign. Last evaluated: 2025-04-05. Review status: criteria provided, single submitter. Criteria: Ambry Variant Classification Scheme 2023. Collection method: clinical testing. Allele origin: germline.

Labcorp Genetics (formerly Invitae), Labcorp
Classification: Likely benign. Last evaluated: 2024-12-11. Review status: criteria provided, single submitter. Criteria: Invitae Variant Classification Sherloc (09022015). Collection method: clinical testing. Allele origin: germline.

Blueprint Genetics
Classification: Likely benign. Last evaluated: 2023-08-15. Review status: criteria provided, single submitter. Criteria: ACMG Guidelines, 2015. Collection method: clinical testing. Allele origin: germline.

ARUP Laboratories, Molecular Genetics and Genomics, ARUP Laboratories
Classification: Likely benign for Familial dysautonomia. Last evaluated: 2021-10-04. Review status: criteria provided, single submitter. Criteria: ARUP Molecular Germline Variant Investigation Process 2021. Collection method: clinical testing. Allele origin: germline.

NM_003640.5(ELP1):c.2082T>A (p.Gly694=)

Gene: ELP1 (elongator acetyltransferase complex subunit 1; minus strand). Cytogenetic location: 9q31.3.
Variant type: single nucleotide variant.
Coding change: c.2082T>A on transcript NM_003640.5 (MANE Select); coding-DNA position 2082, T replaced by A.
Protein change: p.Gly694=; no amino-acid change (glycine 694 retained).
Molecular consequence: synonymous variant.
Genome position (GRCh38, 1-based): chr9:108,900,308, A>T on the plus strand (T>A on the coding strand, the complement: ELP1 is on the minus strand). VCF-style: chr9-108900308-A-T. GRCh37 (hg19) VCF-style: chr9-111662588-A-T.
Other names: c.1740T>A, p.Gly580= (NM_001318360.2); c.1035T>A, p.Gly345= (NM_001330749.2); c.2082T>A (NM_003640.4).
Identifiers: ClinVar variation 704171 (VCV000704171.20), dbSNP rs760054484, ClinGen allele CA5174781.